The following is an entry in ClinVar:

NM_002016.2(FLG):c.3093A>G (p.Glu1031=)

Genes: CCDST (cervical cancer associated DHX9 suppressive transcript; plus strand), FLG (filaggrin; minus strand). Cytogenetic location: 1q21.3.
Variant type: single nucleotide variant.
Coding change: c.3093A>G on transcript NM_002016.2 (MANE Select); coding-DNA position 3093, A replaced by G.
Protein change: p.Glu1031=; no amino-acid change (glutamic acid 1031 retained).
Molecular consequence: synonymous variant.
Genome position (GRCh38, 1-based): chr1:152,311,793, T>C on the plus strand (A>G on the coding strand, the complement: FLG is on the minus strand). VCF-style: chr1-152311793-T-C. GRCh37 (hg19) VCF-style: chr1-152284269-T-C.
Identifiers: ClinVar variation 2639300 (VCV002639300.25), dbSNP rs143932553, ClinGen allele CA1106837.

ClinVar aggregate classification (germline): Likely benign. Review status: criteria provided, multiple submitters, no conflicts (2 of 4 stars). 2 submissions from 2 submitters: Likely benign (2). Last evaluated 2026-09-01.

Allele frequency attached by ClinVar (database versions not stated): 1000 Genomes Project 30x 0.00078; 1000 Genomes Project 0.00080.

Submissions (2):

CeGaT Center for Human Genetics Tuebingen
Classification: Likely benign. Last evaluated: 2026-09-01. Review status: criteria provided, single submitter. Criteria: CeGaT Center For Human Genetics Tuebingen Variant Classification Criteria Version 2. Collection method: clinical testing. Allele origin: germline. Affected: yes. Observed: 2 variant alleles.
Comment: FLG: BP4, BP7

Blueprint Genetics
Classification: Likely benign. Last evaluated: 2024-11-19. Review status: criteria provided, single submitter. Criteria: ACMG Guidelines, 2015. Collection method: clinical testing. Allele origin: germline.